The following is an entry in ClinVar:

ClinVar aggregate classification (germline): Uncertain significance (1 of 4 stars; one submission).

Conditions:
Hypertrophic cardiomyopathy 6. Identifiers: MedGen C1833236, MONDO:0010946, OMIM 600858.

Submission:

MVZ Medizinische Genetik Mainz
Classification: Uncertain significance for Hypertrophic cardiomyopathy 6. Last evaluated: 2024-08-27. Review status: criteria provided, single submitter. Criteria: UK Practice Guidelines For Variant Classification V4 01 2020. Collection method: clinical testing. Allele origin: germline. Inheritance: Autosomal dominant inheritance. Affected: yes. Observed: 1 variant allele.
Comment: ACMG Criteria: PM2_SUP,PP3

NM_016203.4(PRKAG2):c.1234-2A>G

Gene: PRKAG2 (protein kinase AMP-activated non-catalytic subunit gamma 2; minus strand). Cytogenetic location: 7q36.1.
Variant type: single nucleotide variant.
Coding change: c.1234-2A>G on transcript NM_016203.4 (MANE Select); the canonical splice acceptor site of the intron before coding-DNA position 1234, A replaced by G.
Molecular consequence: splice acceptor variant.
Genome position (GRCh38, 1-based): chr7:151,565,887, T>C on the plus strand (A>G on the coding strand, the complement: PRKAG2 is on the minus strand). VCF-style: chr7-151565887-T-C. GRCh37 (hg19) VCF-style: chr7-151262973-T-C.
Other names: c.943-2A>G (NM_001407031.1); c.946-2A>G (NM_001407030.1); c.1231-2A>G (NM_001407023.1, NM_001407022.1); c.1234-2A>G (NM_001407021.1); c.916-2A>G (NM_001407032.1); c.1099-2A>G (NM_001407026.1, NM_001407027.1); c.1102-2A>G (NM_001040633.2, NM_001407024.1); c.910-2A>G (NM_001407033.1); and 6 more.
Identifiers: ClinVar variation 3342295 (VCV003342295.1).
Genomic context (GRCh38, chr7:151,565,887, plus strand): 5'-CCTATTCCAAGCTCATCCAGGTTCTGCTTCATGAAGGCAGGCTTTGGCATATCAGACATC[T>C]AAACGGAAGATAAACGCAAACGTTCTAGACCCAGAACACACTCTTGTCATGTTCAAAGGT-3'